The following is an entry in ClinVar:

NM_002203.4(ITGA2):c.*3331A>G

Gene: ITGA2 (integrin subunit alpha 2; plus strand). Cytogenetic location: 5q11.2.
Variant type: single nucleotide variant.
Coding change: c.*3331A>G on transcript NM_002203.4 (MANE Select); 3331 bases downstream of the stop codon, A replaced by G.
Molecular consequence: 3 prime UTR variant. On other transcripts: non-coding transcript variant (5).
Genome position (GRCh38, 1-based): chr5:53,093,930, A>G. VCF-style: chr5-53093930-A-G. GRCh37 (hg19) VCF-style: chr5-52389760-A-G.
Identifiers: ClinVar variation 903711 (VCV000903711.4), dbSNP rs140380471, ClinGen allele CA118881676.

ClinVar aggregate classification (germline): Likely benign (1 of 4 stars; one submission).

Conditions:
Platelet-type bleeding disorder 9 (BDPLT9). Also called: GLYCOPROTEIN Ia DEFICIENCY; GP Ia DEFICIENCY; COLLAGEN PLATELET RECEPTOR DEFICIENCY. Identifiers: Orphanet 73271, Orphanet 98886, MedGen C3280114, MONDO:0013622, OMIM 614200.

Allele frequency attached by ClinVar (database versions not stated): 1000 Genomes Project 30x 0.00078; 1000 Genomes Project 0.00080; gnomAD 0.00096 and 0.00101; TOPMed 0.00096.

Submission:

Illumina Laboratory Services, Illumina
Classification: Likely benign for Platelet-type bleeding disorder 9. Last evaluated: 2018-01-13. Review status: criteria provided, single submitter. Criteria: ICSL Variant Classification Criteria 13 December 2019. Collection method: clinical testing. Allele origin: germline.
Comment: This variant was observed in the ICSL laboratory as part of a predisposition screen in an ostensibly healthy population. It had not been previously curated by ICSL or reported in the Human Gene Mutation Database (HGMD: prior to June 1st, 2018), and was therefore a candidate for classification through an automated scoring system. Utilizing variant allele frequency, disease prevalence and penetrance estimates, and inheritance mode, an automated score was calculated to assess if this variant is too frequent to cause the disease. Based on the score and internal cut-off values, a variant classified as likely benign is not then subjected to further curation. The score for this variant resulted in a classification of likely benign for this disease.